The following is an entry in ClinVar:

NM_001130965.3(SUN1):c.1490C>T (p.Thr497Ile)

Gene: SUN1 (Sad1 and UNC84 domain containing 1; plus strand). Cytogenetic location: 7p22.3.
Variant type: single nucleotide variant.
Coding change: c.1490C>T on transcript NM_001130965.3 (MANE Select); coding-DNA position 1490, C replaced by T.
Protein change: p.Thr497Ile; replaces threonine 497 with isoleucine.
Molecular consequence: missense variant. On other transcripts: non-coding transcript variant (3).
Genome position (GRCh38, 1-based): chr7:857,923, C>T. VCF-style: chr7-857923-C-T. GRCh37 (hg19) VCF-style: chr7-897560-C-T.
Other names: c.1571C>T, p.Thr524Ile (NM_001367688.1); c.1451C>T, p.Thr484Ile (NM_001367689.1, NM_001367667.1); c.1781C>T, p.Thr594Ile (NM_001367690.1); c.1730C>T, p.Thr577Ile (NM_001367691.1, NM_001367636.1); c.1181C>T, p.Thr394Ile (NM_001171944.2); c.1490C>T, p.Thr497Ile (NM_001367633.1, NM_001367634.1, NM_001367653.1); c.1799C>T, p.Thr600Ile (NM_001367692.1); c.1685C>T, p.Thr562Ile (NM_001367693.1, NM_001367697.1); and 43 more; short protein forms T380I, T441I, T446I, T486I, T513I, T523I, T524I, T525I.
Identifiers: ClinVar variation 3643322 (VCV003643322.2).
Genomic context (GRCh38, chr7:857,923, plus strand): 5'-ACCTCCAGCTGGAGCTGGATCAGCTAAAGTCAGAGCTGTCCAGCTGGCGACACGTGAAGA[C>T]CGGCTGTGAGACAGTGGATGCCGTACAAGAAAGAGTGAGCTTTCTGCATGTTTACTTTTT-3'
Protein context (NP_001124437.1, residues 487-507): SELSSWRHVK[Thr497Ile]GCETVDAVQE

ClinVar aggregate classification (germline): Uncertain significance (1 of 4 stars; one submission).

Conditions:
Emery-Dreifuss muscular dystrophy (EDMD). Also called: Scapuloperoneal syndrome, X-linked (formerly); Humeroperoneal neuromuscular disease, (formerly). Identifiers: Orphanet 261, MedGen C0410189, MONDO:0016830.

Submission:

Labcorp Genetics (formerly Invitae), Labcorp
Classification: Uncertain significance for Emery-Dreifuss muscular dystrophy. Last evaluated: 2024-09-13. Review status: criteria provided, single submitter. Criteria: Invitae Variant Classification Sherloc (09022015). Collection method: clinical testing. Allele origin: germline.
Comment: This sequence change replaces threonine, which is neutral and polar, with isoleucine, which is neutral and non-polar, at codon 497 of the SUN1 protein (p.Thr497Ile). This variant is not present in population databases (gnomAD no frequency). This variant has not been reported in the literature in individuals affected with SUN1-related conditions. An algorithm developed to predict the effect of missense changes on protein structure and function (PolyPhen-2) suggests that this variant is likely to be disruptive. In summary, the available evidence is currently insufficient to determine the role of this variant in disease. Therefore, it has been classified as a Variant of Uncertain Significance.